The following is an entry in ClinVar:

ClinVar aggregate classification (germline): Uncertain significance (1 of 4 stars; one submission).

Conditions:
Neurodevelopmental disorder with dysmorphic facies, impaired speech, and hypotonia. Identifiers: MedGen C5436585, MONDO:0033562, OMIM 619005.
Deeah syndrome. Also called: DEVELOPMENTAL DELAY WITH ENDOCRINE, EXOCRINE, AUTONOMIC, AND HEMATOLOGIC ABNORMALITIES. Identifiers: Orphanet 686495, MedGen C5436579, MONDO:0033561, OMIM 619004.

gnomAD v4.1: 36 of 1,613,114 alleles (0.0022%); highest among the groups gnomAD compares: East Asian, 0.076%; no homozygotes.

Submissions (3):

Juno Genomics, Hangzhou Juno Genomics, Inc
Classification: Uncertain significance for Deeah syndrome; Neurodevelopmental disorder with dysmorphic facies, impaired speech, and hypotonia. Review status: criteria provided, single submitter. Criteria: ACMG Guidelines, 2015. Collection method: clinical testing. Allele origin: germline. Affected: yes.
Comment: Multiple lines of computational evidence support a deleterious effect on the gene or gene product (conservation, evolutionary, splicing impact, etc).;Absent from controls (or at extremely low frequency if recessive) in Genome Aggregation Database, Exome Sequencing Project, 1000 Genomes Project, or Exome Aggregation Consortium.

Dr. Peter K. Rogan Lab, Western University
No classification provided (evidence only). Condition: Uterine corpus endometrial carcinoma. Review status: no classification provided. Collection method: in vitro. Allele origin: not applicable. Functional consequence: skipped exon. Not counted in ClinVar's aggregate classification.

Dr. Peter K. Rogan Lab, Western University
No classification provided (evidence only). Condition: Malignant tumor of esophagus. Review status: no classification provided. Collection method: in vitro. Allele origin: not applicable. Functional consequence: skipped exon, retained intron. Not counted in ClinVar's aggregate classification.

NM_001376571.1(MADD):c.1470-3C>G

Gene: MADD (MAP kinase activating death domain; plus strand). Cytogenetic location: 11p11.2.
Variant type: single nucleotide variant.
Coding change: c.1470-3C>G on transcript NM_001376571.1 (MANE Select); 3 bases into the intron before coding-DNA position 1470, C replaced by G.
Molecular consequence: intron variant.
Genome position (GRCh38, 1-based): chr11:47,282,378, C>G. VCF-style: chr11-47282378-C-G. GRCh37 (hg19) VCF-style: chr11-47303929-C-G.
Other names: NC_000011.9:g.47303929C>G; c.1470-3C>G (NM_001376638.1, NM_001376616.1, NM_001376619.1 and 80 more transcripts); c.1266-3C>G (NM_001376648.1, NM_001376620.1, NM_001376626.1 and 9 more transcripts); c.804-3C>G (NM_001376663.1).
Identifiers: ClinVar variation 3381874 (VCV003381874.3).